The following is an entry in ClinVar:

ClinVar aggregate classification (germline): Uncertain significance. Review status: criteria provided, multiple submitters, no conflicts (2 of 4 stars). 2 submissions from 2 submitters: Uncertain significance (2). Last evaluated 2025-04-10.

Conditions:
KIF11-related disorder. Also called: KIF11-related condition.

gnomAD v4.1: 7 of 1,613,350 alleles (0.00043%); highest among the groups gnomAD compares: Non-Finnish European, 0.00051%; no homozygotes.

Submissions (2):

PreventionGenetics, part of Exact Sciences
Classification: Uncertain significance for KIF11-related condition. Last evaluated: 2025-04-10. Review status: criteria provided, single submitter. Criteria: ACMG Guidelines, 2015. Collection method: clinical testing. Allele origin: germline.
Comment: The KIF11 c.3151C>T variant is predicted to result in premature protein termination (p.Arg1051*). To our knowledge, this variant has not been reported in the literature or in a large population database (gnomAD), indicating this variant is rare. This variant resides in the final exon of this gene, and it is unclear if the resulting mRNA would undergo nonsense-mediated decay. At this time, the clinical significance of this variant is uncertain due to the absence of conclusive functional and genetic evidence.

Labcorp Genetics (formerly Invitae), Labcorp
Classification: Uncertain significance. Last evaluated: 2022-11-10. Review status: criteria provided, single submitter. Criteria: Invitae Variant Classification Sherloc (09022015). Collection method: clinical testing. Allele origin: germline.
Comment: This sequence change creates a premature translational stop signal (p.Arg1051*) in the KIF11 gene. While this is not anticipated to result in nonsense mediated decay, it is expected to disrupt the last 6 amino acid(s) of the KIF11 protein. This variant is not present in population databases (gnomAD no frequency). This variant has not been reported in the literature in individuals affected with KIF11-related conditions. Experimental studies and prediction algorithms are not available or were not evaluated, and the functional significance of this variant is currently unknown. In summary, the available evidence is currently insufficient to determine the role of this variant in disease. Therefore, it has been classified as a Variant of Uncertain Significance.

NM_004523.4(KIF11):c.3151C>T (p.Arg1051Ter)

Gene: KIF11 (kinesin family member 11; plus strand). Cytogenetic location: 10q23.33.
Variant type: single nucleotide variant.
Coding change: c.3151C>T on transcript NM_004523.4 (MANE Select); coding-DNA position 3151, C replaced by T.
Protein change: p.Arg1051Ter; replaces arginine 1051 with a stop codon.
Molecular consequence: nonsense.
Genome position (GRCh38, 1-based): chr10:92,653,776, C>T. VCF-style: chr10-92653776-C-T. GRCh37 (hg19) VCF-style: chr10-94413533-C-T.
Other names: c.3151C>T (NM_004523.3); short protein forms R1051*.
Identifiers: ClinVar variation 2997963 (VCV002997963.4), dbSNP rs573375311, ClinGen allele CA377808767.